The following is an entry in ClinVar:

ClinVar aggregate classification (germline): Uncertain significance (1 of 4 stars; one submission).

Conditions:
Glycogen storage disease, type II (IOPD). Also called: Glucosidase acid-1,4-alpha deficiency; CARDIOMEGALIA GLYCOGENICA DIFFUSA; Glycogen storage disease type 2; Acid maltase deficiency disease; Aglucosidase alfa; Deficiency of alpha-glucosidase. Identifiers: Orphanet 365, MedGen C0017921, MONDO:0009290, OMIM 232300.

Allele frequency attached by ClinVar (database versions not stated): TOPMed below 0.00001.

Submission:

Labcorp Genetics (formerly Invitae), Labcorp
Classification: Uncertain significance for Glycogen storage disease, type II. Last evaluated: 2021-09-01. Review status: criteria provided, single submitter. Criteria: Invitae Variant Classification Sherloc (09022015). Collection method: clinical testing. Allele origin: germline.
Comment: This sequence change replaces isoleucine with valine at codon 526 of the GAA protein (p.Ile526Val). The isoleucine residue is weakly conserved and there is a small physicochemical difference between isoleucine and valine. This variant is not present in population databases (ExAC no frequency). This variant has not been reported in the literature in individuals affected with GAA-related conditions. Algorithms developed to predict the effect of missense changes on protein structure and function output the following: SIFT: "Tolerated"; PolyPhen-2: "Benign"; Align-GVGD: "Class C0". The valine amino acid residue is found in multiple mammalian species, which suggests that this missense change does not adversely affect protein function. In summary, the available evidence is currently insufficient to determine the role of this variant in disease. Therefore, it has been classified as a Variant of Uncertain Significance.

NM_000152.5(GAA):c.1576A>G (p.Ile526Val)

Gene: GAA (alpha glucosidase; plus strand). Cytogenetic location: 17q25.3.
Variant type: single nucleotide variant.
Coding change: c.1576A>G on transcript NM_000152.5 (MANE Select); coding-DNA position 1576, A replaced by G.
Protein change: p.Ile526Val; replaces isoleucine 526 with valine.
Molecular consequence: missense variant.
Genome position (GRCh38, 1-based): chr17:80,110,965, A>G. VCF-style: chr17-80110965-A-G. GRCh37 (hg19) VCF-style: chr17-78084764-A-G.
Other names: c.1576A>G, p.Ile526Val (NM_001079803.3, NM_001079804.3); short protein forms I526V.
Identifiers: ClinVar variation 958809 (VCV000958809.7), dbSNP rs2039222806, ClinGen allele CA401367235.